The following is an entry in ClinVar:

NM_032444.4(SLX4):c.3416A>G (p.Gln1139Arg)

Gene: SLX4 (SLX4 structure-specific endonuclease subunit; minus strand). Cytogenetic location: 16p13.3.
Variant type: single nucleotide variant.
Coding change: c.3416A>G on transcript NM_032444.4 (MANE Select); coding-DNA position 3416, A replaced by G.
Protein change: p.Gln1139Arg; replaces glutamine 1139 with arginine.
Molecular consequence: missense variant.
Genome position (GRCh38, 1-based): chr16:3,590,222, T>C on the plus strand (A>G on the coding strand, the complement: SLX4 is on the minus strand). VCF-style: chr16-3590222-T-C. GRCh37 (hg19) VCF-style: chr16-3640223-T-C.
Other names: short protein forms Q1139R.
Identifiers: ClinVar variation 1407213 (VCV001407213.5), dbSNP rs2151123634, ClinGen allele CA394520183.

ClinVar aggregate classification (germline): Uncertain significance (1 of 4 stars; one submission).

Conditions:
Fanconi anemia (FA). Also called: Fanconi's anemia. Identifiers: Orphanet 84, MedGen C0015625, MeSH D005199, MONDO:0019391.

Submission:

Labcorp Genetics (formerly Invitae), Labcorp
Classification: Uncertain significance for Fanconi anemia. Last evaluated: 2024-04-10. Review status: criteria provided, single submitter. Criteria: Invitae Variant Classification Sherloc (09022015). Collection method: clinical testing. Allele origin: germline.
Comment: This sequence change replaces glutamine, which is neutral and polar, with arginine, which is basic and polar, at codon 1139 of the SLX4 protein (p.Gln1139Arg). This variant is not present in population databases (gnomAD no frequency). This variant has not been reported in the literature in individuals affected with SLX4-related conditions. ClinVar contains an entry for this variant (Variation ID: 1407213). An algorithm developed to predict the effect of missense changes on protein structure and function (PolyPhen-2) suggests that this variant¬†is likely to be tolerated. In summary, the available evidence is currently insufficient to determine the role of this variant in disease. Therefore, it has been classified as a Variant of Uncertain Significance.